The following is an entry in ClinVar:

NM_201384.3(PLEC):c.9122A>G (p.Tyr3041Cys)

Gene: PLEC (plectin; minus strand). Cytogenetic location: 8q24.3.
Variant type: single nucleotide variant.
Coding change: c.9122A>G on transcript NM_201384.3 (MANE Select); coding-DNA position 9122, A replaced by G.
Protein change: p.Tyr3041Cys; replaces tyrosine 3041 with cysteine.
Molecular consequence: missense variant.
Genome position (GRCh38, 1-based): chr8:143,920,699, T>C on the plus strand (A>G on the coding strand, the complement: PLEC is on the minus strand). VCF-style: chr8-143920699-T-C. GRCh37 (hg19) VCF-style: chr8-144994867-T-C.
Other names: c.9203A>G, p.Tyr3068Cys (NM_000445.5); c.5822A>G, p.Tyr1941Cys (NM_001410941.1); c.9080A>G, p.Tyr3027Cys (NM_201378.4); c.9056A>G, p.Tyr3019Cys (NM_201379.3); c.9533A>G, p.Tyr3178Cys (NM_201380.4); c.9026A>G, p.Tyr3009Cys (NM_201381.3); c.9122A>G, p.Tyr3041Cys (NM_201382.4); c.9134A>G, p.Tyr3045Cys (NM_201383.3); short protein forms Y1941C, Y3068C, Y3178C, Y3009C, Y3041C, Y3045C, Y3019C, Y3027C.
Identifiers: ClinVar variation 2932028 (VCV002932028.3), dbSNP rs906243316, ClinGen allele CA187611227.

ClinVar aggregate classification (germline): Uncertain significance (1 of 4 stars; one submission).

Conditions:
Epidermolysis bullosa simplex with nail dystrophy (EBS5D). Identifiers: MedGen C4225309, MONDO:0014661, OMIM 616487.
Epidermolysis bullosa simplex 5C, with pyloric atresia (EBS5C). Also called: PLEC-Related Epidermolysis Bullosa with Pyloric Atresia; Epidermolysis bullosa simplex with pyloric atresia; PLEC1-Related Epidermolysis Bullosa with Pyloric Atresia. Identifiers: Orphanet 158684, MedGen C2677349, MONDO:0012807, OMIM 612138.
Autosomal recessive limb-girdle muscular dystrophy type 2Q (LGMDR17). Also called: MUSCULAR DYSTROPHY, LIMB-GIRDLE, AUTOSOMAL RECESSIVE 17. Identifiers: Orphanet 254361, MedGen C3150989, MONDO:0013390, OMIM 613723.
Epidermolysis bullosa simplex, Ogna type (EBS5A). Also called: Pidermolysis bullosa simplex 5A, Ogna type; EPIDERMOLYSIS BULLOSA SIMPLEX 5A, OGNA TYPE. Identifiers: Orphanet 79401, MedGen C0432317, MONDO:0007555, OMIM 131950.
Epidermolysis bullosa simplex 5B, with muscular dystrophy (EBS5B). Also called: EPIDERMOLYSIS BULLOSA SIMPLEX AND LIMB-GIRDLE MUSCULAR DYSTROPHY; Epidermolysis bullosa simplex with muscular dystrophy. Identifiers: Orphanet 257, MedGen C2931072, MONDO:0009181, OMIM 226670.

Allele frequency attached by ClinVar (database versions not stated): gnomAD 0.00001; gnomAD exomes 0.00001.
gnomAD v4.1: 5 of 1,602,804 alleles (0.00031%); highest among the groups gnomAD compares: South Asian, 0.0033%; no homozygotes.

Submission:

Labcorp Genetics (formerly Invitae), Labcorp
Classification: Uncertain significance for Autosomal recessive limb-girdle muscular dystrophy type 2Q; Epidermolysis bullosa simplex, Ogna type; Epidermolysis bullosa simplex with nail dystrophy; Epidermolysis bullosa simplex 5C, with pyloric atresia; Epidermolysis bullosa simplex 5B, with muscular dystrophy. Last evaluated: 2022-12-19. Review status: criteria provided, single submitter. Criteria: Invitae Variant Classification Sherloc (09022015). Collection method: clinical testing. Allele origin: germline.
Comment: In summary, the available evidence is currently insufficient to determine the role of this variant in disease. Therefore, it has been classified as a Variant of Uncertain Significance. Algorithms developed to predict the effect of missense changes on protein structure and function (SIFT, PolyPhen-2, Align-GVGD) all suggest that this variant is likely to be disruptive. This variant has not been reported in the literature in individuals affected with PLEC-related conditions. The frequency data for this variant in the population databases is considered unreliable, as metrics indicate poor data quality at this position in the gnomAD database. This sequence change replaces tyrosine, which is neutral and polar, with cysteine, which is neutral and slightly polar, at codon 3068 of the PLEC protein (p.Tyr3068Cys).